The following is an entry in ClinVar:

ClinVar aggregate classification (germline): Likely benign. Review status: criteria provided, multiple submitters, no conflicts (2 of 4 stars). 2 submissions from 2 submitters: Likely benign (2). Last evaluated 2025-11-05.

Conditions:
Oligodontia-cancer predisposition syndrome. Also called: TOOTH AGENESIS-COLORECTAL CANCER SYNDROME. Identifiers: Orphanet 300576, MedGen C1837750, MONDO:0012075, OMIM 608615. Disease mechanism: loss of function.

Allele frequency attached by ClinVar (database versions not stated): gnomAD exomes below 0.00001; ExAC 0.00001.
gnomAD v4.1: 3 of 1,534,730 alleles (0.0002%); highest among the groups gnomAD compares: Non-Finnish European, 0.00018%; no homozygotes.

Submissions (2):

Labcorp Genetics (formerly Invitae), Labcorp
Classification: Likely benign for Oligodontia-cancer predisposition syndrome. Last evaluated: 2025-11-05. Review status: criteria provided, single submitter. Criteria: Invitae Variant Classification Sherloc (09022015). Collection method: clinical testing. Allele origin: germline.

Myriad Genetics, Inc.
Classification: Likely benign for Oligodontia-cancer predisposition syndrome. Last evaluated: 2024-07-11. Review status: criteria provided, single submitter. Criteria: Myriad Autosomal Dominant, Autosomal Recessive and X-Linked Classification Criteria (2023). Collection method: clinical testing. Allele origin: unknown.
Comment: This variant is considered likely benign. This variant is intronic and is not expected to impact mRNA splicing.

NM_004655.4(AXIN2):c.2405+10C>T

Gene: AXIN2 (axin 2; minus strand). Cytogenetic location: 17q24.1.
Variant type: single nucleotide variant.
Coding change: c.2405+10C>T on transcript NM_004655.4 (MANE Select); 10 bases into the intron after coding-DNA position 2405, C replaced by T.
Molecular consequence: intron variant.
Genome position (GRCh38, 1-based): chr17:65,533,902, G>A on the plus strand (C>T on the coding strand, the complement: AXIN2 is on the minus strand). VCF-style: chr17-65533902-G-A. GRCh37 (hg19) VCF-style: chr17-63530020-G-A.
Other names: c.2210+10C>T (NM_001363813.1).
Identifiers: ClinVar variation 706390 (VCV000706390.11), dbSNP rs751708304, ClinGen allele CA8718311.